The following is an entry in ClinVar:

GRCh38/hg38 15q13.2-13.3(chr15:30640878-32222779)x3

Genes: ARHGAP11B (Rho GTPase activating protein 11B), CHRNA7 (cholinergic receptor nicotinic alpha 7 subunit), FAN1 (FANCD2 and FANCI associated nuclease 1; plus strand), KLF13 (KLF transcription factor 13; plus strand), LINC02352 (long intergenic non-protein coding RNA 2352; plus strand) and 22 more. Cytogenetic location: 15q13.2-13.3.
Variant type: copy number gain.
Change: copy number 3 (three copies instead of two) of chr15:30,640,878-32,222,779 (1.58 Mb, GRCh38 coordinates, 1-based), cytogenetic band 15q13.2-13.3.
Identifiers: ClinVar variation 57617 (VCV000057617.1).

ClinVar aggregate classification (germline): Uncertain significance (1 of 4 stars; one submission).

Submission:

ISCA site 15
Classification: Uncertain significance. Last evaluated: 2011-08-12. Review status: criteria provided, single submitter. Criteria: Kaminsky et al. (Genet Med. 2011). Collection method: clinical testing. Allele origin: maternal, unknown. Affected: yes. Observed: 2 variant alleles.
Comment: Copy number variation identified through the course of routine clinical cytogenomic testing in postnatal populations. Clinical assertions have been curated as described in Kaminsky et al. 2011.